The following is an entry in ClinVar:

NM_020975.6(RET):c.674C>T (p.Thr225Met)

Gene: RET (ret proto-oncogene; plus strand). Cytogenetic location: 10q11.21.
Variant type: single nucleotide variant.
Coding change: c.674C>T on transcript NM_020975.6 (MANE Select); coding-DNA position 674, C replaced by T.
Protein change: p.Thr225Met; replaces threonine 225 with methionine.
Molecular consequence: missense variant.
Genome position (GRCh38, 1-based): chr10:43,105,000, C>T. VCF-style: chr10-43105000-C-T. GRCh37 (hg19) VCF-style: chr10-43600448-C-T.
Other names: c.674C>T, p.Thr225Met (NM_000323.2, NM_001406743.1, NM_001406744.1 and 8 more transcripts); c.-89C>T (NM_001355216.2); c.545C>T, p.Thr182Met (NM_001406761.1, NM_001406762.1, NM_001406764.1 and 2 more transcripts); c.386C>T, p.Thr129Met (NM_001406766.1, NM_001406767.1, NM_001406770.1); short protein forms T225M, T129M, T182M.
Identifiers: ClinVar variation 1755230 (VCV001755230.9), dbSNP rs774670305, ClinGen allele CA044485.

ClinVar aggregate classification (germline): Uncertain significance. Review status: criteria provided, multiple submitters, no conflicts (2 of 4 stars). 4 submissions from 4 submitters: Uncertain significance (4). Last evaluated 2025-12-09.

Conditions:
Hereditary cancer-predisposing syndrome. Also called: Neoplastic Syndromes, Hereditary; Tumor predisposition; Hereditary Cancer Syndrome; Hereditary neoplastic syndrome. Identifiers: Orphanet 140162, MedGen C0027672, MeSH D009386, MONDO:0015356.
Multiple endocrine neoplasia, type 2 (MEN2). Identifiers: Orphanet 653, MedGen C4048306, MONDO:0019003. Disease mechanism: gain of function.

Allele frequency attached by ClinVar (database versions not stated): TOPMed below 0.00001; gnomAD 0.00001; gnomAD exomes 0.00001; ExAC 0.00002.
gnomAD v4.1: 13 of 1,589,742 alleles (0.00082%); highest among the groups gnomAD compares: Admixed American, 0.0017%; no homozygotes.

Submissions (4):

Ambry Genetics
Classification: Uncertain significance for Hereditary cancer-predisposing syndrome. Last evaluated: 2025-12-09. Review status: criteria provided, single submitter. Criteria: Ambry Variant Classification Scheme 2023. Collection method: clinical testing. Allele origin: germline.

Labcorp Genetics (formerly Invitae), Labcorp
Classification: Uncertain significance for Multiple endocrine neoplasia, type 2. Last evaluated: 2025-05-04. Review status: criteria provided, single submitter. Criteria: Invitae Variant Classification Sherloc (09022015). Collection method: clinical testing. Allele origin: germline.
Comment: This sequence change replaces threonine, which is neutral and polar, with methionine, which is neutral and non-polar, at codon 225 of the RET protein (p.Thr225Met). The frequency data for this variant in the population databases is considered unreliable, as metrics indicate poor data quality at this position in the gnomAD database. This variant has not been reported in the literature in individuals affected with RET-related conditions. ClinVar contains an entry for this variant (Variation ID: 1755230). An algorithm developed to predict the effect of missense changes on protein structure and function outputs the following: PolyPhen-2: "Possibly Damaging". The methionine amino acid residue is found in multiple mammalian species, which suggests that this missense change does not adversely affect protein function. In summary, the available evidence is currently insufficient to determine the role of this variant in disease. Therefore, it has been classified as a Variant of Uncertain Significance.

GeneDx
Classification: Uncertain significance. Last evaluated: 2024-05-01. Review status: criteria provided, single submitter. Criteria: GeneDx Variant Classification Process June 2021. Collection method: clinical testing. Allele origin: germline. Affected: yes.
Comment: Not observed at significant frequency in large population cohorts (gnomAD); In silico analysis indicates that this missense variant does not alter protein structure/function; Has not been previously published as pathogenic or benign to our knowledge; This variant is associated with the following publications: (PMID: 14633923)

All of Us Research Program, National Institutes of Health
Classification: Uncertain significance for Multiple endocrine neoplasia, type 2. Last evaluated: 2023-08-15. Review status: criteria provided, single submitter. Criteria: ACMG Guidelines, 2015. Collection method: clinical testing. Allele origin: germline. Inheritance: Autosomal dominant inheritance. Observed: 1 variant allele, 1 heterozygote.
Comment: This study involves interpretation of variants in research participants for the purpose of population health screening. Participant phenotype was not available at the time of variant classification. Additional details can be found in publication PMID: 35346344, PMCID: PMC8962531